The following is an entry in ClinVar:

NM_022095.4(ZNF335):c.1111G>A (p.Gly371Arg)

Gene: ZNF335 (zinc finger protein 335; minus strand). Cytogenetic location: 20q13.12.
Variant type: single nucleotide variant.
Coding change: c.1111G>A on transcript NM_022095.4 (MANE Select); coding-DNA position 1111, G replaced by A.
Protein change: p.Gly371Arg; replaces glycine 371 with arginine.
Molecular consequence: missense variant.
Genome position (GRCh38, 1-based): chr20:45,963,982, C>T on the plus strand (G>A on the coding strand, the complement: ZNF335 is on the minus strand). VCF-style: chr20-45963982-C-T. GRCh37 (hg19) VCF-style: chr20-44592621-C-T.
Other names: c.1111G>A (NM_022095.3); short protein forms G371R.
Identifiers: ClinVar variation 1414949 (VCV001414949.4), dbSNP rs755688411, ClinGen allele CA9885824.
Genomic context (GRCh38, chr20:45,963,982, plus strand): 5'-CCTCGGGATCCTGTGGCTCTGGAGGGCTCTGTCCACTCTGGGAACTCACTAGAGGCTCTC[C>T]TTCCACACCTGCCACGGACATGCCAGGTCACAAGCCAGCCACTGACACACCAGGACAGAC-3'
Protein context (NP_071378.1, residues 361-381): EISDLPDGVE[Gly371Arg]EPLVSSQSGQ

ClinVar aggregate classification (germline): Uncertain significance. Review status: criteria provided, multiple submitters, no conflicts (2 of 4 stars). 2 submissions from 2 submitters: Uncertain significance (2). Last evaluated 2025-12-04.

Conditions:
Inborn genetic diseases. Identifiers: MedGen C0950123, MeSH D030342.

Allele frequency attached by ClinVar (database versions not stated): gnomAD 0.00001; TOPMed 0.00006; gnomAD exomes 0.00007 and 0.00003; ExAC 0.00008.
gnomAD v4.1: 14 of 1,517,590 alleles (0.00092%); highest among the groups gnomAD compares: Admixed American, 0.031%; no homozygotes.

Submissions (2):

Ambry Genetics
Classification: Uncertain significance for Inborn genetic diseases. Last evaluated: 2025-12-04. Review status: criteria provided, single submitter. Criteria: Ambry Variant Classification Scheme 2023. Collection method: clinical testing. Allele origin: germline.

Labcorp Genetics (formerly Invitae), Labcorp
Classification: Uncertain significance. Last evaluated: 2022-08-02. Review status: criteria provided, single submitter. Criteria: Invitae Variant Classification Sherloc (09022015). Collection method: clinical testing. Allele origin: germline.
Comment: This sequence change replaces glycine, which is neutral and non-polar, with arginine, which is basic and polar, at codon 371 of the ZNF335 protein (p.Gly371Arg). This variant is present in population databases (rs755688411, gnomAD 0.06%). This variant has not been reported in the literature in individuals affected with ZNF335-related conditions. ClinVar contains an entry for this variant (Variation ID: 1414949). Algorithms developed to predict the effect of missense changes on protein structure and function are either unavailable or do not agree on the potential impact of this missense change (SIFT: "Deleterious"; PolyPhen-2: "Benign"; Align-GVGD: "Class C0"). In summary, the available evidence is currently insufficient to determine the role of this variant in disease. Therefore, it has been classified as a Variant of Uncertain Significance.